The following is an entry in ClinVar:

ClinVar aggregate classification (germline): Likely pathogenic. Review status: criteria provided, multiple submitters, no conflicts (2 of 4 stars). 7 submissions from 7 submitters: Likely pathogenic (4). 3 of the submissions do not count toward it. Last evaluated 2026-04-24.

Conditions:
Cardiovascular phenotype. Identifiers: MedGen CN230736.
Hypertrophic cardiomyopathy 1 (CMH1). Also called: MYH7-Related Familial Hypertrophic Cardiomyopathy; Familial hypertrophic cardiomyopathy 1. Identifiers: MedGen C3495498, MONDO:0008647, OMIM 192600.
Hypertrophic cardiomyopathy. Also called: HYPERTROPHIC MYOCARDIOPATHY. Identifiers: Orphanet 217569, MedGen C0007194, MeSH D002312, MONDO:0005045, HP:0001639.

Submissions (7):

Ambry Genetics
Classification: Likely pathogenic for Cardiovascular phenotype. Last evaluated: 2026-04-24. Review status: criteria provided, single submitter. Criteria: Ambry Variant Classification Scheme 2023. Collection method: clinical testing. Allele origin: germline.
Comment: The p.D928V variant (also known as c.2783A>T), located in coding exon 21 of the MYH7 gene, results from an A to T substitution at nucleotide position 2783. The aspartic acid at codon 928 is replaced by valine, an amino acid with highly dissimilar properties. This variant is located in the myosin head domain, which contains a statistically significant clustering of pathogenic missense variants (Homburger JR et al. Proc Natl Acad Sci U S A, 2016 06;113:6701-6; Walsh R et al. Genet Med, 2017 02;19:192-203; Ambry internal data). This variant was reported in individual(s) with features consistent with hypertrophic cardiomyopathy (HCM) (Michels M et al. Eur Heart J, 2009 Nov;30:2593-8; Nijenkamp LLAM et al. Circ Heart Fail, 2018 Jun;11:e004133; Janin A et al. Mol Diagn Ther, 2021 May;25:373-385; Oktay V et al. Anatol J Cardiol, 2023 Nov;27:628-638). Other variant(s) at the same codon, p.D928N (c.2782G>A), have been identified in individual(s) with features consistent with HCM and segregated with disease in at least one family (Erdmann J et al. Clin Genet. 2003 Oct;64(4):339-49; Perrot AJ Mol. Med. 2005 Jun;83(6):468-77; Gimeno JR Rev Esp Cardiol. 2009 Dec;62(12):1473-7; Garc&iacute;a-Molina E et al. Am J Transl Res. 2019 Mar;11(3):1724-1735; Amr A et al. Clin Res Cardiol. 2022 Jun;111(6):638-650; Nafissi NA et al. Circ Genom Precis Med. 2022 Oct;15(5):e003675; Ambry internal data). This variant is considered to be rare based on population cohorts in the Genome Aggregation Database (gnomAD). This amino acid position is well conserved in available vertebrate species. In addition, this alteration is predicted to be deleterious by in silico analysis. Based on the majority of available evidence to date, this variant is likely to be pathogenic.

Department of Human Genetics, Hannover Medical School
Classification: Likely pathogenic for Hypertrophic cardiomyopathy 1. Last evaluated: 2025-09-29. Review status: criteria provided, single submitter. Criteria: ACMG Guidelines, 2015. Collection method: clinical testing. Allele origin: germline. Affected: yes.
Comment: PS4_Moderate, PM1, PM2_Supporting, PP3

Labcorp Genetics (formerly Invitae), Labcorp
Classification: Likely pathogenic for Hypertrophic cardiomyopathy. Last evaluated: 2022-11-29. Review status: criteria provided, single submitter. Criteria: Invitae Variant Classification Sherloc (09022015). Collection method: clinical testing. Allele origin: germline.
Comment: This missense change has been observed in individual(s) with hypertrophic cardiomyopathy (PMID: 19666645, 27247418, 31323898). This variant is not present in population databases (gnomAD no frequency). This sequence change replaces aspartic acid, which is acidic and polar, with valine, which is neutral and non-polar, at codon 928 of the MYH7 protein (p.Asp928Val). In summary, the currently available evidence indicates that the variant is pathogenic, but additional data are needed to prove that conclusively. Therefore, this variant has been classified as Likely Pathogenic. This variant disrupts the p.Asp928 amino acid residue in MYH7. Other variant(s) that disrupt this residue have been determined to be pathogenic (PMID: 12974739, 15856146, 20038417, 27532257). This suggests that this residue is clinically significant, and that variants that disrupt this residue are likely to be disease-causing. Advanced modeling of protein sequence and biophysical properties (such as structural, functional, and spatial information, amino acid conservation, physicochemical variation, residue mobility, and thermodynamic stability) performed at Invitae indicates that this missense variant is expected to disrupt MYH7 protein function. ClinVar contains an entry for this variant (Variation ID: 181379).

GeneDx
Classification: Likely pathogenic. Last evaluated: 2019-08-02. Review status: criteria provided, single submitter. Criteria: GeneDx Variant Classification Process June 2021. Collection method: clinical testing. Allele origin: germline. Affected: yes.
Comment: Not observed in large population cohorts (Lek et al., 2016); In silico analysis, which includes protein predictors and evolutionary conservation, supports a deleterious effect; This variant is associated with the following publications: (PMID: 27247418, 19666645, 31323898)

Clinical Genetics DNA and cytogenetics Diagnostics Lab, Erasmus MC, Erasmus Medical Center
Classification: Likely pathogenic. Review status: no assertion criteria provided. Collection method: clinical testing. Allele origin: germline. Affected: yes. Study: VKGL Data-share Consensus. Not counted in ClinVar's aggregate classification.

Clinical Genetics, Academic Medical Center
Classification: Pathogenic. Review status: no assertion criteria provided. Collection method: clinical testing. Allele origin: germline. Affected: yes. Study: VKGL Data-share Consensus. Not counted in ClinVar's aggregate classification.

Genome Diagnostics Laboratory, University Medical Center Utrecht
Classification: Likely pathogenic. Review status: no assertion criteria provided. Collection method: clinical testing. Allele origin: germline. Affected: yes. Study: VKGL Data-share Consensus. Not counted in ClinVar's aggregate classification.

Literature cited by the submitters: PubMed 19666645 (cited by Ambry Genetics and Labcorp Genetics (formerly Invitae), Labcorp); PubMed 29853478 (cited by Ambry Genetics); PubMed 33954932 (cited by Ambry Genetics); PubMed 37466024 (cited by Ambry Genetics); PubMed 27247418 (cited by Labcorp Genetics (formerly Invitae), Labcorp); PubMed 31323898 (cited by Labcorp Genetics (formerly Invitae), Labcorp); PubMed 12974739 (cited by Labcorp Genetics (formerly Invitae), Labcorp); PubMed 15856146 (cited by Labcorp Genetics (formerly Invitae), Labcorp); PubMed 20038417 (cited by Labcorp Genetics (formerly Invitae), Labcorp); PubMed 27532257 (cited by Labcorp Genetics (formerly Invitae), Labcorp).

NM_000257.4(MYH7):c.2783A>T (p.Asp928Val)

Gene: MYH7 (myosin heavy chain 7; minus strand). Cytogenetic location: 14q11.2.
Variant type: single nucleotide variant.
Coding change: c.2783A>T on transcript NM_000257.4 (MANE Select); coding-DNA position 2783, A replaced by T.
Protein change: p.Asp928Val; replaces aspartic acid 928 with valine.
Molecular consequence: missense variant.
Genome position (GRCh38, 1-based): chr14:23,424,046, T>A on the plus strand (A>T on the coding strand, the complement: MYH7 is on the minus strand). VCF-style: chr14-23424046-T-A. GRCh37 (hg19) VCF-style: chr14-23893255-T-A.
Other names: p.D928V:GAT>GTT; c.2783A>T (LRG_384t1); short protein forms D928V.
Identifiers: ClinVar variation 181379 (VCV000181379.19), dbSNP rs727504558, ClinGen allele CA013062.
Genomic context (GRCh38, chr14:23,424,046, plus strand): 5'-GAGCACTCATCTTCCAGCTTGCGCTTCTTGGCAGTGAGCTCAGCATTCATCTCCTCCTCA[T>A]CCTCCAGCCTCTCGTTCATCTCCTTCACCTTGGCCTCCAGCTGAATCTTGTTTTTGATCA-3'
Protein context (NP_000248.2, residues 918-938): KVKEMNERLE[Asp928Val]EEEMNAELTA